The following is an entry in ClinVar:

ClinVar aggregate classification (germline): Uncertain significance (1 of 4 stars; one submission).

Conditions:
Cardiovascular phenotype. Identifiers: MedGen CN230736.

Submission:

Ambry Genetics
Classification: Uncertain significance for Cardiovascular phenotype. Last evaluated: 2025-05-27. Review status: criteria provided, single submitter. Criteria: Ambry Variant Classification Scheme 2023. Collection method: clinical testing. Allele origin: germline.
Comment: The p.P271S variant (also known as c.811C>T), located in coding exon 3 of the RASA1 gene, results from a C to T substitution at nucleotide position 811. The proline at codon 271 is replaced by serine, an amino acid with similar properties. This amino acid position is conserved. In addition, the in silico prediction for this alteration is inconclusive. Based on the available evidence, the clinical significance of this variant remains unclear.

NM_002890.3(RASA1):c.811C>T (p.Pro271Ser)

Genes: CCNH (cyclin H; minus strand), RASA1 (RAS p21 protein activator 1; plus strand). Cytogenetic location: 5q14.3.
Variant type: single nucleotide variant.
Coding change: c.811C>T on transcript NM_002890.3 (MANE Select); coding-DNA position 811, C replaced by T.
Protein change: p.Pro271Ser; replaces proline 271 with serine.
Molecular consequence: missense variant. On other transcripts: intron variant (1).
Genome position (GRCh38, 1-based): chr5:87,332,625, C>T. VCF-style: chr5-87332625-C-T. GRCh37 (hg19) VCF-style: chr5-86628442-C-T.
Other names: c.280C>T, p.Pro94Ser (NM_022650.3); c.934-19830G>A (NM_001364075.2); short protein forms P271S, P94S.
Identifiers: ClinVar variation 3942987 (VCV003942987.1).